The following is an entry in ClinVar:

ClinVar aggregate classification (germline): Likely benign (1 of 4 stars; one submission).

Conditions:
DPYD-related disorder. Also called: DPYD-related condition.

gnomAD v4.1: 85 of 1,547,132 alleles (0.0055%); highest among the groups gnomAD compares: Admixed American, 0.035%; no homozygotes.

Submissions (3):

PreventionGenetics, part of Exact Sciences
Classification: Likely benign for DPYD-related condition. Last evaluated: 2025-04-29. Review status: criteria provided, single submitter. Criteria: ACMG Guidelines, 2015. Collection method: clinical testing. Allele origin: germline.
Comment: This variant is classified as likely benign based on ACMG/AMP sequence variant interpretation guidelines (Richards et al. 2015 PMID: 25741868, with internal and published modifications).

Dr. Peter K. Rogan Lab, Western University
No classification provided (evidence only). Condition: Acute myeloid leukemia. Review status: no classification provided. Collection method: in vitro. Allele origin: not applicable. Functional consequence: skipped exon, retained intron. Not counted in ClinVar's aggregate classification.

Dr. Peter K. Rogan Lab, Western University
No classification provided (evidence only). Condition: Sarcoma. Review status: no classification provided. Collection method: in vitro. Allele origin: not applicable. Functional consequence: retained intron. Not counted in ClinVar's aggregate classification.

NM_000110.4(DPYD):c.151-53A>T

Gene: DPYD (dihydropyrimidine dehydrogenase; minus strand). Cytogenetic location: 1p21.3.
Variant type: single nucleotide variant.
Coding change: c.151-53A>T on transcript NM_000110.4 (MANE Select); 53 bases into the intron before coding-DNA position 151, A replaced by T.
Molecular consequence: intron variant.
Genome position (GRCh38, 1-based): chr1:97,828,249, T>A on the plus strand (A>T on the coding strand, the complement: DPYD is on the minus strand). VCF-style: chr1-97828249-T-A. GRCh37 (hg19) VCF-style: chr1-98293805-T-A.
Other names: NC_000001.10:g.98293805T>A; c.151-53A>T (NM_000110.3, NM_001160301.1).
Identifiers: ClinVar variation 4493437 (VCV004493437.2).